The following is an entry in ClinVar:

ClinVar aggregate classification (germline): Pathogenic (1 of 4 stars; one submission).

Conditions:
alpha Thalassemia. Also called: Alpha thalassemia spectrum. Identifiers: Orphanet 846, MedGen C0002312, MONDO:0011399, OMIM 604131.

Submission:

Natera, Inc.
Classification: Pathogenic for Alpha thalassemia. Last evaluated: 2025-10-29. Review status: criteria provided, single submitter. Criteria: Natera Variant Classification Schema (03/2026). Collection method: clinical testing. Allele origin: germline.
Comment: The c.95G>A variant in HBA2 is a missense variant predicted to cause substitution of arginine to lysine at amino acid 32. This variant is rare in the general population with a frequency below the threshold expected for the associated phenotype(s). This variant has been observed in one or more individuals affected with the associated recessive disease, as either homozygous or compound heterozygous with a second variant (PMID: 24261598, 17018682, 39501461). Additionally, this variant has been observed to segregate in affected family members (PMID: 17018682). Computational prediction algorithms indicate this variant is likely to affect gene or protein function. Given the available evidence, this variant is classified as Pathogenic.

Literature cited by the submitters: PubMed 24261598; PubMed 17018682; PubMed 39501461.

NM_000517.6(HBA2):c.95G>A (p.Arg32Lys)

Genes: HBA2 (hemoglobin subunit alpha 2; plus strand), LOC106804612 (hemoglobin subunit alpha 2 recombination region; plus strand). Cytogenetic location: 16p13.3.
Variant type: single nucleotide variant.
Coding change: c.95G>A on transcript NM_000517.6 (MANE Select); coding-DNA position 95, G replaced by A.
Protein change: p.Arg32Lys; replaces arginine 32 with lysine.
Molecular consequence: missense variant.
Genome position (GRCh38, 1-based): chr16:173,007, G>A. VCF-style: chr16-173007-G-A. GRCh37 (hg19) VCF-style: chr16-223006-G-A.
Other names: short protein forms R32K.
Identifiers: ClinVar variation 4818681 (VCV004818681.1).